The following is an entry in ClinVar:

NM_001267550.2(TTN):c.86052T>C (p.Thr28684=)

Genes: TTN (titin; minus strand), TTN-AS1 (TTN antisense RNA 1; plus strand). Cytogenetic location: 2q31.2.
Variant type: single nucleotide variant.
Coding change: c.86052T>C on transcript NM_001267550.2 (MANE Select); coding-DNA position 86052, T replaced by C.
Protein change: p.Thr28684=; no amino-acid change (threonine 28684 retained).
Molecular consequence: synonymous variant.
Genome position (GRCh38, 1-based): chr2:178,560,080, A>G on the plus strand (T>C on the coding strand, the complement: TTN is on the minus strand). VCF-style: chr2-178560080-A-G. GRCh37 (hg19) VCF-style: chr2-179424807-A-G.
Other names: p.T27043T:ACT>ACC; c.81129T>C, p.Thr27043= (NM_001256850.1); c.58857T>C, p.Thr19619= (NM_003319.4); c.78348T>C, p.Thr26116= (NM_133378.4); c.59232T>C, p.Thr19744= (NM_133432.3); c.59433T>C, p.Thr19811= (NM_133437.4).
Identifiers: ClinVar variation 196076 (VCV000196076.65), dbSNP rs76928874, ClinGen allele CA302902.

ClinVar aggregate classification (germline): Conflicting classifications of pathogenicity. Review status: criteria provided, conflicting classifications (1 of 4 stars). 16 submissions from 12 submitters: Uncertain significance (3); Benign (6); Likely benign (4). 3 of the submissions do not count toward it. Last evaluated 2026-02-01.

Conditions:
Dilated cardiomyopathy 1G (CMD1G). Identifiers: Orphanet 154, MedGen C1858763, MONDO:0011400, OMIM 604145.
Autosomal recessive limb-girdle muscular dystrophy type 2J (LGMDR10). Also called: MUSCULAR DYSTROPHY, LIMB-GIRDLE, AUTOSOMAL RECESSIVE 10; Limb-girdle muscular dystrophy, type 2J. Identifiers: Orphanet 140922, MedGen C1837342, MONDO:0012127, OMIM 608807.
Cardiovascular phenotype. Identifiers: MedGen CN230736.
Myopathy, myofibrillar, 9, with early respiratory failure (MFM9). Also called: Hereditary myopathy with early respiratory failure; EDSTROM MYOPATHY; Myopathy, distal, with early respiratory failure, autosomal dominant; MYOPATHY, PROXIMAL, WITH EARLY RESPIRATORY MUSCLE INVOLVEMENT. Identifiers: Orphanet 178464, Orphanet 34521, MedGen C1863599, MONDO:0011362, OMIM 603689.
Tibial muscular dystrophy (TMD). Also called: Udd Distal Myopathy – Tibial Muscular Dystrophy; Tibial muscular dystrophy, tardive; UDD MYOPATHY. Identifiers: Orphanet 609, MedGen C1838244, MONDO:0010870, OMIM 600334.
Early-onset myopathy with fatal cardiomyopathy (CMYO5). Also called: CONGENITAL MYOPATHY 5 WITH CARDIOMYOPATHY; Salih Myopathy. Identifiers: Orphanet 289377, MedGen C2673677, MONDO:0012714, OMIM 611705. Disease mechanism: loss of function.

Allele frequency attached by ClinVar (database versions not stated): ExAC 0.00058; gnomAD 0.00019 and 0.00032; 1000 Genomes Project 0.00160; TOPMed 0.00023; gnomAD exomes 0.00059 and 0.00019; 1000 Genomes Project 30x 0.00156.
gnomAD v4.1: 339 of 1,613,656 alleles (0.021%); highest among the groups gnomAD compares: East Asian, 0.57%; no homozygotes.

Submissions (16):

Labcorp Genetics (formerly Invitae), Labcorp
Classification: Benign for Dilated cardiomyopathy 1G; Autosomal recessive limb-girdle muscular dystrophy type 2J. Last evaluated: 2026-02-01. Review status: criteria provided, single submitter. Criteria: Invitae Variant Classification Sherloc (09022015). Collection method: clinical testing. Allele origin: germline.

Blueprint Genetics
Classification: Likely benign. Last evaluated: 2024-09-10. Review status: criteria provided, single submitter. Criteria: ACMG Guidelines, 2015. Collection method: clinical testing. Allele origin: germline.

Women's Health and Genetics/Laboratory Corporation of America, LabCorp
Classification: Benign. Last evaluated: 2023-06-10. Review status: criteria provided, single submitter. Criteria: LabCorp Variant Classification Summary - May 2015. Collection method: clinical testing. Allele origin: germline.

CeGaT Center for Human Genetics Tuebingen
Classification: Likely benign. Last evaluated: 2022-12-01. Review status: criteria provided, single submitter. Criteria: CeGaT Center For Human Genetics Tuebingen Variant Classification Criteria Version 2. Collection method: clinical testing. Allele origin: germline. Affected: yes. Observed: 4 variant alleles.
Comment: TTN: BP4, BP7

Ambry Genetics
Classification: Likely benign for Cardiovascular phenotype. Last evaluated: 2019-02-21. Review status: criteria provided, single submitter. Criteria: Ambry Variant Classification Scheme 2023. Collection method: clinical testing. Allele origin: germline.

Illumina Laboratory Services, Illumina
Classification: Benign for Tibial muscular dystrophy. Last evaluated: 2018-01-13. Review status: criteria provided, single submitter. Criteria: ICSL Variant Classification Criteria 13 December 2019. Collection method: clinical testing. Allele origin: germline.
Comment: This variant was observed in the ICSL laboratory as part of a predisposition screen in an ostensibly healthy population. It had not been previously curated by ICSL or reported in the Human Gene Mutation Database (HGMD: prior to June 1st, 2018), and was therefore a candidate for classification through an automated scoring system. Utilizing variant allele frequency, disease prevalence and penetrance estimates, and inheritance mode, an automated score was calculated to assess if this variant is too frequent to cause the disease. Based on the score and internal cut-off values, a variant classified as benign is not then subjected to further curation. The score for this variant resulted in a classification of benign for this disease.

Illumina Laboratory Services, Illumina
Classification: Benign for Myopathy, myofibrillar, 9, with early respiratory failure. Last evaluated: 2018-01-13. Review status: criteria provided, single submitter. Criteria: ICSL Variant Classification Criteria 13 December 2019. Collection method: clinical testing. Allele origin: germline.
Comment: the same text as in the submission from Illumina Laboratory Services, Illumina above.

Illumina Laboratory Services, Illumina
Classification: Uncertain significance for Autosomal recessive limb-girdle muscular dystrophy type 2J. Last evaluated: 2018-01-13. Review status: criteria provided, single submitter. Criteria: ICSL Variant Classification Criteria 13 December 2019. Collection method: clinical testing. Allele origin: germline.

Illumina Laboratory Services, Illumina
Classification: Uncertain significance for Early-onset myopathy with fatal cardiomyopathy. Last evaluated: 2018-01-13. Review status: criteria provided, single submitter. Criteria: ICSL Variant Classification Criteria 13 December 2019. Collection method: clinical testing. Allele origin: germline.

Illumina Laboratory Services, Illumina
Classification: Uncertain significance for Dilated cardiomyopathy 1G. Last evaluated: 2018-01-13. Review status: criteria provided, single submitter. Criteria: ICSL Variant Classification Criteria 13 December 2019. Collection method: clinical testing. Allele origin: germline.

Genetic Services Laboratory, University of Chicago
Classification: Likely benign. Last evaluated: 2016-04-29. Review status: criteria provided, single submitter. Criteria: ACMG Guidelines, 2015. Collection method: clinical testing. Allele origin: germline. Affected: no.

Eurofins Ntd Llc (ga)
Classification: Benign. Last evaluated: 2014-11-20. Review status: criteria provided, single submitter. Criteria: EGL Classification Definitions 2015. Collection method: clinical testing. Allele origin: germline. Observed: 1 variant allele, 1 heterozygote.

GeneDx
Classification: Benign. Last evaluated: 2014-07-22. Review status: criteria provided, single submitter. Criteria: GeneDx Variant Classification (06012015). Collection method: clinical testing. Allele origin: germline. Affected: yes.
Comment: This variant is considered likely benign or benign based on one or more of the following criteria: it is a conservative change, it occurs at a poorly conserved position in the protein, it is predicted to be benign by multiple in silico algorithms, and/or has population frequency not consistent with disease.

Clinical Genetics, Academic Medical Center
Classification: Benign. Review status: no assertion criteria provided. Collection method: clinical testing. Allele origin: germline. Affected: yes. Study: VKGL Data-share Consensus. Not counted in ClinVar's aggregate classification.

Diagnostic Laboratory, Department of Genetics, University Medical Center Groningen
Classification: Likely benign. Review status: no assertion criteria provided. Collection method: clinical testing. Allele origin: germline. Affected: yes. Study: VKGL Data-share Consensus. Not counted in ClinVar's aggregate classification.

Laboratory of Diagnostic Genome Analysis, Leiden University Medical Center (LUMC)
Classification: Likely benign. Review status: no assertion criteria provided. Collection method: clinical testing. Allele origin: germline. Affected: yes. Study: VKGL Data-share Consensus. Not counted in ClinVar's aggregate classification.